The following is an entry in ClinVar:

NM_000431.4(MVK):c.603C>T (p.Ser201=)

Gene: MVK (mevalonate kinase; plus strand). Cytogenetic location: 12q24.11.
Variant type: single nucleotide variant.
Coding change: c.603C>T on transcript NM_000431.4 (MANE Select); coding-DNA position 603, C replaced by T.
Protein change: p.Ser201=; no amino-acid change (serine 201 retained).
Molecular consequence: synonymous variant.
Genome position (GRCh38, 1-based): chr12:109,586,097, C>T. VCF-style: chr12-109586097-C-T. GRCh37 (hg19) VCF-style: chr12-110023902-C-T.
Other names: c.603C>T, p.Ser201= (NM_001114185.3); c.447C>T, p.Ser149= (NM_001301182.2).
Identifiers: ClinVar variation 1622577 (VCV001622577.10), dbSNP rs775935897, ClinGen allele CA243456526.
Genomic context (GRCh38, chr12:109,586,097, plus strand): 5'-TTTGGAGCTAATTAACAAGTGGGCCTTCCAAGGGGAGAGAATGATTCACGGGAACCCCTC[C>T]GGAGTGGACAATGCTGTCAGCACCTGGGGTAGGTGTGGCCTCAGGTTTATTTTATTGTTG-3'
Protein context (NP_000422.1, residues 191-211): QGERMIHGNP[Ser201=]GVDNAVSTWG

ClinVar aggregate classification (germline): Likely benign. Review status: criteria provided, multiple submitters, no conflicts (2 of 4 stars). 2 submissions from 2 submitters: Likely benign (2). Last evaluated 2026-04-01.

Conditions:
Mevalonic aciduria (MEVA). Identifiers: Orphanet 29, MedGen C1959626, MONDO:0012481, OMIM 610377.
Porokeratosis 3, disseminated superficial actinic type (POROK3). Also called: POROKERATOSIS, DISSEMINATED SUPERFICIAL ACTINIC, 1; POROKERATOSIS 3, MULTIPLE TYPES; POROKERATOSIS 3, MIBELLI TYPE. Identifiers: MedGen C1867981, MONDO:0008293, OMIM 175900.
Hyperimmunoglobulin D with periodic fever (HIDS). Also called: HYPERIMMUNOGLOBULINEMIA D AND PERIODIC FEVER SYNDROME; Hyperimmunoglobulinemia D with periodic fever; Hyperimmunoglobulinemia D. Identifiers: Orphanet 343, MedGen C0398691, MONDO:0009849, OMIM 260920.

Allele frequency attached by ClinVar (database versions not stated): gnomAD 0.00001; TOPMed 0.00001; gnomAD exomes 0.00002.

Submissions (2):

CeGaT Center for Human Genetics Tuebingen
Classification: Likely benign. Last evaluated: 2026-04-01. Review status: criteria provided, single submitter. Criteria: CeGaT Center For Human Genetics Tuebingen Variant Classification Criteria Version 2. Collection method: clinical testing. Allele origin: germline. Affected: yes. Observed: 1 variant allele.
Comment: MVK: BP4, BP7

Labcorp Genetics (formerly Invitae), Labcorp
Classification: Likely benign for Mevalonic aciduria; Hyperimmunoglobulin D with periodic fever; Porokeratosis 3, disseminated superficial actinic type. Last evaluated: 2024-05-28. Review status: criteria provided, single submitter. Criteria: Invitae Variant Classification Sherloc (09022015). Collection method: clinical testing. Allele origin: germline.